The following is an entry in ClinVar:

NM_001159699.2(FHL1):c.204+5C>T

Gene: FHL1 (four and a half LIM domains 1; plus strand). Cytogenetic location: Xq26.3.
Variant type: single nucleotide variant.
Coding change: c.204+5C>T on transcript NM_001159699.2 (MANE Select); 5 bases into the intron after coding-DNA position 204, C replaced by T.
Molecular consequence: intron variant.
Genome position (GRCh38, 1-based): chrX:136,206,593, C>T. VCF-style: chrX-136206593-C-T. GRCh37 (hg19) VCF-style: chrX-135288752-C-T.
Other names: c.156+5C>T (NM_001159702.3, NM_001449.5, NM_001159703.2 and 10 more transcripts); c.243+5C>T (NM_001159701.2); c.204+5C>T (NM_001330659.2, NM_001159699.1).
Identifiers: ClinVar variation 239005 (VCV000239005.32), dbSNP rs182106777, ClinGen allele CA10524957.

ClinVar aggregate classification (germline): Benign/Likely benign. Review status: criteria provided, multiple submitters, no conflicts (2 of 4 stars). 15 submissions from 15 submitters: Benign (9); Likely benign (1). 5 of the submissions do not count toward it. Last evaluated 2026-03-27.

Conditions:
Cardiovascular phenotype. Identifiers: MedGen CN230736.
Familial hemophagocytic lymphohistiocytosis type 1. Also called: ERYTHROPHAGOCYTIC LYMPHOHISTIOCYTOSIS, FAMILIAL; HEMOPHAGOCYTIC RETICULOSIS, FAMILIAL; RETICULOSIS, FAMILIAL HISTIOCYTIC. Identifiers: Orphanet 540, MedGen C4551514, MONDO:0009974, OMIM 267700.
X-linked myopathy with postural muscle atrophy. Also called: FHL1-Related Emery-Dreifuss Muscular Dystrophy, X-Linked. Identifiers: Orphanet 178461, MedGen C2678055, MONDO:0010401, OMIM 300696.

Allele frequency attached by ClinVar (database versions not stated): gnomAD exomes 0.00054 and 0.00150; ExAC 0.00188; 1000 Genomes Project 0.00397; 1000 Genomes Project 30x 0.00499; gnomAD 0.00506 and 0.00542; TOPMed 0.00545; ESP Exome Variant Server 0.00663.
gnomAD v4.1: 1,207 of 1,211,187 alleles (0.1%); highest among the groups gnomAD compares: African/African-American, 1.8%; 7 homozygotes.

Submissions (15):

Molecular Diagnostic Laboratory for Inherited Cardiovascular Disease, Montreal Heart Institute
Classification: Benign. Last evaluated: 2026-03-27. Review status: criteria provided, single submitter. Criteria: ACMG Guidelines, 2015. Collection method: clinical testing. Allele origin: germline. Affected: no.
Comment: BS1;BP6

Labcorp Genetics (formerly Invitae), Labcorp
Classification: Benign for X-linked myopathy with postural muscle atrophy. Last evaluated: 2026-02-01. Review status: criteria provided, single submitter. Criteria: Invitae Variant Classification Sherloc (09022015). Collection method: clinical testing. Allele origin: germline.

Blueprint Genetics
Classification: Benign. Last evaluated: 2024-11-14. Review status: criteria provided, single submitter. Criteria: ACMG Guidelines, 2015. Collection method: clinical testing. Allele origin: germline.

Women's Health and Genetics/Laboratory Corporation of America, LabCorp
Classification: Benign. Last evaluated: 2023-08-19. Review status: criteria provided, single submitter. Criteria: LabCorp Variant Classification Summary - May 2015. Collection method: clinical testing. Allele origin: germline.

ARUP Laboratories, Molecular Genetics and Genomics, ARUP Laboratories
Classification: Benign for Familial hemophagocytic lymphohistiocytosis type 1. Last evaluated: 2022-12-21. Review status: criteria provided, single submitter. Criteria: ARUP Molecular Germline Variant Investigation Process 2024. Collection method: clinical testing. Allele origin: germline.

Athena Diagnostics
Classification: Benign. Last evaluated: 2019-05-03. Review status: criteria provided, single submitter. Criteria: Athena Diagnostics Criteria. Collection method: clinical testing. Allele origin: germline.

Ambry Genetics
Classification: Benign for Cardiovascular phenotype. Last evaluated: 2019-02-28. Review status: criteria provided, single submitter. Criteria: Ambry Variant Classification Scheme 2023. Collection method: clinical testing. Allele origin: germline.

Mayo Clinic Laboratories, Mayo Clinic
Classification: Benign. Last evaluated: 2018-04-04. Review status: criteria provided, single submitter. Criteria: ACMG Guidelines, 2015. Collection method: clinical testing. Allele origin: germline. Observed: 3 variant alleles.

GeneDx
Classification: Benign. Last evaluated: 2016-07-27. Review status: criteria provided, single submitter. Criteria: GeneDx Variant Classification (06012015). Collection method: clinical testing. Allele origin: germline. Affected: yes.
Comment: This variant is considered likely benign or benign based on one or more of the following criteria: it is a conservative change, it occurs at a poorly conserved position in the protein, it is predicted to be benign by multiple in silico algorithms, and/or has population frequency not consistent with disease.

Genetic Services Laboratory, University of Chicago
Classification: Likely benign. Last evaluated: 2016-04-29. Review status: criteria provided, single submitter. Criteria: ACMG Guidelines, 2015. Collection method: clinical testing. Allele origin: germline. Affected: no.

Clinical Genetics DNA and cytogenetics Diagnostics Lab, Erasmus MC, Erasmus Medical Center
Classification: Benign. Review status: no assertion criteria provided. Collection method: clinical testing. Allele origin: germline. Affected: yes. Study: VKGL Data-share Consensus. Not counted in ClinVar's aggregate classification.

Clinical Genetics, Academic Medical Center
Classification: Benign. Review status: no assertion criteria provided. Collection method: clinical testing. Allele origin: germline. Affected: yes. Study: VKGL Data-share Consensus. Not counted in ClinVar's aggregate classification.

Diagnostic Laboratory, Department of Genetics, University Medical Center Groningen
Classification: Benign. Review status: no assertion criteria provided. Collection method: clinical testing. Allele origin: germline. Affected: yes. Study: VKGL Data-share Consensus. Not counted in ClinVar's aggregate classification.

Joint Genome Diagnostic Labs from Nijmegen and Maastricht, Radboudumc and MUMC+
Classification: Benign. Review status: no assertion criteria provided. Collection method: clinical testing. Allele origin: germline. Affected: yes. Study: VKGL Data-share Consensus. Not counted in ClinVar's aggregate classification.

Laboratory of Diagnostic Genome Analysis, Leiden University Medical Center (LUMC)
Classification: Likely benign. Review status: no assertion criteria provided. Collection method: clinical testing. Allele origin: germline. Affected: yes. Study: VKGL Data-share Consensus. Not counted in ClinVar's aggregate classification.

Literature cited by the submitters: PubMed 27841901 (cited by Athena Diagnostics).